The following is an entry in ClinVar:

NM_025114.4(CEP290):c.2668del (p.Gln890fs)

Gene: CEP290 (centrosomal protein 290; minus strand). Cytogenetic location: 12q21.32.
Variant type: Deletion.
Coding change: c.2668del on transcript NM_025114.4 (MANE Select); coding-DNA position 2668, one base deleted (C; older notation c.2668delC).
Protein change: p.Gln890fs; shifts the reading frame from glutamine 890.
Molecular consequence: frameshift variant.
Genome position (GRCh38, 1-based): chr12:88,106,824, G deleted on the plus strand (C on the coding strand, the reverse complement: CEP290 is on the minus strand). VCF-style (leftmost placement, unchanged base first): chr12-88106823-TG-T. GRCh37 (hg19) VCF-style: chr12-88500600-TG-T.
Other names: short protein forms Q890fs.
Identifiers: ClinVar variation 2107988 (VCV002107988.4), dbSNP rs2500620311, ClinGen allele CA2580086726.

ClinVar aggregate classification (germline): Pathogenic (1 of 4 stars; one submission).

Conditions:
Joubert syndrome. Also called: CEREBELLOPARENCHYMAL DISORDER IV; JOUBERT-BOLTSHAUSER SYNDROME; Familial aplasia of the vermis. Identifiers: Orphanet 475, MedGen C5979921, MONDO:0018772.
Nephronophthisis. Also called: Juvenile Nephronophthisis. Identifiers: Orphanet 655, MedGen C0687120, MONDO:0019005, HP:0000090.
Meckel-Gruber syndrome. Also called: DYSENCEPHALIA SPLANCHNOCYSTICA; GRUBER SYNDROME; Dysencephalia splachnocystica. Identifiers: Orphanet 564, MedGen C0265215, MONDO:0018921.

Submission:

Labcorp Genetics (formerly Invitae), Labcorp
Classification: Pathogenic for Joubert syndrome; Meckel-Gruber syndrome; Nephronophthisis. Last evaluated: 2022-03-09. Review status: criteria provided, single submitter. Criteria: Invitae Variant Classification Sherloc (09022015). Collection method: clinical testing. Allele origin: germline.
Comment: This variant is not present in population databases (gnomAD no frequency). For these reasons, this variant has been classified as Pathogenic. Algorithms developed to predict the effect of sequence changes on RNA splicing suggest that this variant may disrupt the consensus splice site. This variant has not been reported in the literature in individuals affected with CEP290-related conditions. This sequence change creates a premature translational stop signal (p.Gln890Lysfs*2) in the CEP290 gene. It is expected to result in an absent or disrupted protein product. Loss-of-function variants in CEP290 are known to be pathogenic (PMID: 16909394, 17345604, 20690115).

Literature cited by the submitters: PubMed 16909394; PubMed 17345604; PubMed 20690115.